The following is an entry in ClinVar:

ClinVar aggregate classification (germline): Conflicting classifications of pathogenicity. Review status: criteria provided, conflicting classifications (1 of 4 stars). 2 submissions from 2 submitters: Uncertain significance (1); Likely benign (1). Last evaluated 2026-08-27.

Conditions:
Alstrom syndrome (ALMS). Identifiers: Orphanet 64, MedGen C0268425, MONDO:0008763, OMIM 203800.
Cardiovascular phenotype. Identifiers: MedGen CN230736.

Allele frequency attached by ClinVar (database versions not stated): gnomAD exomes 0.00002.
gnomAD v4.1: 25 of 1,605,578 alleles (0.0016%); highest among the groups gnomAD compares: Non-Finnish European, 0.002%; no homozygotes.

Submissions (2):

Ambry Genetics
Classification: Likely benign for Cardiovascular phenotype. Last evaluated: 2026-08-27. Review status: criteria provided, single submitter. Criteria: Ambry Variant Classification Scheme 2023. Collection method: clinical testing. Allele origin: germline.

Labcorp Genetics (formerly Invitae), Labcorp
Classification: Uncertain significance for Alstrom syndrome. Last evaluated: 2022-09-14. Review status: criteria provided, single submitter. Criteria: Invitae Variant Classification Sherloc (09022015). Collection method: clinical testing. Allele origin: germline.
Comment: This sequence change replaces glutamine, which is neutral and polar, with glutamic acid, which is acidic and polar, at codon 736 of the ALMS1 protein (p.Gln736Glu). This variant is present in population databases (rs757152182, gnomAD no frequency). This variant has not been reported in the literature in individuals affected with ALMS1-related conditions. Experimental studies and prediction algorithms are not available or were not evaluated, and the functional significance of this variant is currently unknown. In summary, the available evidence is currently insufficient to determine the role of this variant in disease. Therefore, it has been classified as a Variant of Uncertain Significance.

NM_001378454.1(ALMS1):c.2203C>G (p.Gln735Glu)

Gene: ALMS1 (ALMS1 centrosome and basal body associated protein; plus strand). Cytogenetic location: 2p13.1.
Variant type: single nucleotide variant.
Coding change: c.2203C>G on transcript NM_001378454.1 (MANE Select); coding-DNA position 2203, C replaced by G.
Protein change: p.Gln735Glu; replaces glutamine 735 with glutamic acid.
Molecular consequence: missense variant.
Genome position (GRCh38, 1-based): chr2:73,448,730, C>G. VCF-style: chr2-73448730-C-G. GRCh37 (hg19) VCF-style: chr2-73675857-C-G.
Other names: c.2206C>G, p.Gln736Glu (NM_015120.4); short protein forms Q735E, Q736E.
Identifiers: ClinVar variation 1986599 (VCV001986599.5), dbSNP rs757152182, ClinGen allele CA50391441.